The following is an entry in ClinVar:

NM_001292034.3(TAB2):c.668del (p.Gly223fs)

Genes: TAB2 (TGF-beta activated kinase 1 (MAP3K7) binding protein 2; plus strand), LOC126859827 (BRD4-independent group 4 enhancer GRCh37_chr6:149699707-149700906; plus strand). Cytogenetic location: 6q25.1.
Variant type: Deletion.
Coding change: c.668del on transcript NM_001292034.3 (MANE Select); coding-DNA position 668, one base deleted (G; older notation c.668delG).
Protein change: p.Gly223fs; shifts the reading frame from glycine 223.
Molecular consequence: frameshift variant.
Genome position (GRCh38, 1-based): chr6:149,378,583, G deleted; the last of 2 consecutive G bases (chr6:149,378,582-149,378,583); deleting either gives the same sequence. VCF-style (leftmost placement, unchanged base first): chr6-149378581-TG-T. GRCh37 (hg19) VCF-style: chr6-149699717-TG-T.
Other names: c.572del, p.Gly191fs (NM_001292035.3); c.668del, p.Gly223fs (NM_001369506.1, NM_015093.6); short protein forms G223fs, G191fs.
Identifiers: ClinVar variation 1454074 (VCV001454074.6), dbSNP rs2114884577, ClinGen allele CA2573140639.

ClinVar aggregate classification (germline): Pathogenic (1 of 4 stars; one submission).

Submission:

Labcorp Genetics (formerly Invitae), Labcorp
Classification: Pathogenic. Last evaluated: 2024-02-24. Review status: criteria provided, single submitter. Criteria: Invitae Variant Classification Sherloc (09022015). Collection method: clinical testing. Allele origin: germline.
Comment: This sequence change creates a premature translational stop signal (p.Gly223Valfs*20) in the TAB2 gene. It is expected to result in an absent or disrupted protein product. Loss-of-function variants in TAB2 are known to be pathogenic (PMID: 28386937, 31250519). This variant is not present in population databases (gnomAD no frequency). This variant has not been reported in the literature in individuals affected with TAB2-related conditions. ClinVar contains an entry for this variant (Variation ID: 1454074). For these reasons, this variant has been classified as Pathogenic.

Literature cited by the submitters: PubMed 28386937; PubMed 31250519.